The following is an entry in ClinVar:

ClinVar aggregate classification (germline): Uncertain significance. Review status: criteria provided, multiple submitters, no conflicts (2 of 4 stars). 2 submissions from 2 submitters: Uncertain significance (2). Last evaluated 2022-12-02.

Conditions:
Pseudohypoaldosteronism type 2C (PHA2C). Also called: Pseudohypoaldosteronism Type IIC. Identifiers: Orphanet 757, Orphanet 88940, MedGen C1840391, MONDO:0013778, OMIM 614492.
Neuropathy, hereditary sensory and autonomic, type 2A (HSAN2A). Also called: ACROOSTEOLYSIS, GIACCAI TYPE; ACROOSTEOLYSIS, NEUROGENIC; MORVAN DISEASE; NEUROPATHY, CONGENITAL SENSORY; NEUROPATHY, HEREDITARY SENSORY RADICULAR, AUTOSOMAL RECESSIVE; HSAN IIA. Identifiers: Orphanet 970, MedGen C2752089, MONDO:0024309, OMIM 201300.
Inborn genetic diseases. Identifiers: MedGen C0950123, MeSH D030342.

Allele frequency attached by ClinVar (database versions not stated): gnomAD 0.00005; TOPMed 0.00005; ESP Exome Variant Server 0.00008.
gnomAD v4.1: 10 of 1,613,898 alleles (0.00062%); highest among the groups gnomAD compares: African/African-American, 0.011%; no homozygotes.

Submissions (2):

Labcorp Genetics (formerly Invitae), Labcorp
Classification: Uncertain significance for Neuropathy, hereditary sensory and autonomic, type 2A; Pseudohypoaldosteronism type 2C. Last evaluated: 2022-12-02. Review status: criteria provided, single submitter. Criteria: Invitae Variant Classification Sherloc (09022015). Collection method: clinical testing. Allele origin: germline.
Comment: In summary, the available evidence is currently insufficient to determine the role of this variant in disease. Therefore, it has been classified as a Variant of Uncertain Significance. Advanced modeling of protein sequence and biophysical properties (such as structural, functional, and spatial information, amino acid conservation, physicochemical variation, residue mobility, and thermodynamic stability) performed at Invitae indicates that this missense variant is not expected to disrupt WNK1 protein function. This variant has not been reported in the literature in individuals affected with WNK1-related conditions. This variant is present in population databases (rs371167739, gnomAD 0.02%). This sequence change replaces leucine, which is neutral and non-polar, with arginine, which is basic and polar, at codon 869 of the WNK1 protein (p.Leu869Arg).

Ambry Genetics
Classification: Uncertain significance for Inborn genetic diseases. Last evaluated: 2020-01-08. Review status: criteria provided, single submitter. Criteria: Ambry Variant Classification Scheme 2023. Collection method: clinical testing. Allele origin: germline.
Comment: The p.L869R variant (also known as c.2606T>G), located in coding exon 10 of the WNK1 gene, results from a T to G substitution at nucleotide position 2606. The leucine at codon 869 is replaced by arginine, an amino acid with dissimilar properties. This amino acid position is well conserved in available vertebrate species. In addition, this alteration is predicted to be tolerated by in silico analysis. Since supporting evidence is limited at this time, the clinical significance of this alteration remains unclear.

NM_213655.5(WNK1):c.2606T>G (p.Leu869Arg)

Gene: WNK1 (WNK lysine deficient protein kinase 1; plus strand). Cytogenetic location: 12p13.33.
Variant type: single nucleotide variant.
Coding change: c.2606T>G on transcript NM_213655.5 (MANE Plus Clinical); coding-DNA position 2606, T replaced by G.
Protein change: p.Leu869Arg; replaces leucine 869 with arginine.
Molecular consequence: missense variant. On other transcripts: intron variant (2).
Genome position (GRCh38, 1-based): chr12:868,077, T>G. VCF-style: chr12-868077-T-G. GRCh37 (hg19) VCF-style: chr12-977243-T-G.
Other names: c.2351T>G, p.Leu784Arg (NM_001184985.2); c.2140-3188T>G (NM_018979.4, NM_014823.3); short protein forms L784R, L869R.
Identifiers: ClinVar variation 1793735 (VCV001793735.5), dbSNP rs371167739, ClinGen allele CA6382212.